The following is an entry in ClinVar:

ClinVar aggregate classification (germline): Benign. Review status: criteria provided, single submitter (1 of 4 stars). 2 submissions from 2 submitters: Benign (1). 1 of the submissions does not count toward it. Last evaluated 2023-03-25.

Conditions:
CREBBP-related disorder. Also called: CREBBP-related condition; CREBBP-related disorders.
Rubinstein-Taybi syndrome (RSTS). Identifiers: Orphanet 783, MedGen C0035934, MONDO:0019188.

Allele frequency attached by ClinVar (database versions not stated): gnomAD exomes 0.00001; ExAC 0.00002.
gnomAD v4.1: 9 of 1,614,124 alleles (0.00056%); highest among the groups gnomAD compares: South Asian, 0.0088%; no homozygotes.

Submissions (2):

Labcorp Genetics (formerly Invitae), Labcorp
Classification: Benign for Rubinstein-Taybi syndrome. Last evaluated: 2023-03-25. Review status: criteria provided, single submitter. Criteria: Invitae Variant Classification Sherloc (09022015). Collection method: clinical testing. Allele origin: germline.

PreventionGenetics, part of Exact Sciences
Classification: Likely benign for CREBBP-related condition. Last evaluated: 2022-05-05. Review status: no assertion criteria provided. Collection method: clinical testing. Allele origin: germline. Not counted in ClinVar's aggregate classification.
Comment: This variant is classified as likely benign based on ACMG/AMP sequence variant interpretation guidelines (Richards et al. 2015 PMID: 25741868, with internal and published modifications).

NM_004380.3(CREBBP):c.1128G>A (p.Glu376=)

Gene: CREBBP (CREB binding lysine acetyltransferase; minus strand). Cytogenetic location: 16p13.3.
Variant type: single nucleotide variant.
Coding change: c.1128G>A on transcript NM_004380.3 (MANE Select); coding-DNA position 1128, G replaced by A.
Protein change: p.Glu376=; no amino-acid change (glutamic acid 376 retained).
Molecular consequence: synonymous variant.
Genome position (GRCh38, 1-based): chr16:3,793,474, C>T on the plus strand (G>A on the coding strand, the complement: CREBBP is on the minus strand). VCF-style: chr16-3793474-C-T. GRCh37 (hg19) VCF-style: chr16-3843475-C-T.
Other names: c.1128G>A, p.Glu376= (NM_001079846.1); c.1128G>A (NM_004380.2).
Identifiers: ClinVar variation 2777692 (VCV002777692.5), dbSNP rs748513692, ClinGen allele CA7870507.